The following is an entry in ClinVar:

NM_005765.3(ATP6AP2):c.176C>G (p.Ser59Cys)

Gene: ATP6AP2 (ATPase H+ transporting accessory protein 2; plus strand). Cytogenetic location: Xp11.4.
Variant type: single nucleotide variant.
Coding change: c.176C>G on transcript NM_005765.3 (MANE Select); coding-DNA position 176, C replaced by G.
Protein change: p.Ser59Cys; replaces serine 59 with cysteine.
Molecular consequence: missense variant.
Genome position (GRCh38, 1-based): chrX:40,591,241, C>G. VCF-style: chrX-40591241-C-G. GRCh37 (hg19) VCF-style: chrX-40450493-C-G.
Other names: short protein forms S59C.
Identifiers: ClinVar variation 2417448 (VCV002417448.7), dbSNP rs2518961314, ClinGen allele CA412753852.
Genomic context (GRCh38, chrX:40,591,241, plus strand): 5'-GGTGGGTTCCTGAGTTGATAATTAAGCACCGCTTTGTGCTTTTCAATGTTTAGGACCTTT[C>G]TTGGCCAGGACTCGCAGTGGGTAACCTGTTTCATCGTCCTCGGGCTACCGTCATGGTGAT-3'
Protein context (NP_005756.2, residues 49-69): SMGFSVKEDL[Ser59Cys]WPGLAVGNLF

ClinVar aggregate classification (germline): Uncertain significance (1 of 4 stars; one submission).

Conditions:
Intellectual developmental disorder, X-linked, syndromic, Hedera type. Also called: Syndromic X-linked intellectual disability Hedera type. Identifiers: Orphanet 93952, MedGen C1845543, MONDO:0010319, OMIM 300423.

Submission:

Labcorp Genetics (formerly Invitae), Labcorp
Classification: Uncertain significance for Intellectual developmental disorder, X-linked, syndromic, Hedera type. Last evaluated: 2026-01-21. Review status: criteria provided, single submitter. Criteria: Invitae Variant Classification Sherloc (09022015). Collection method: clinical testing. Allele origin: germline.
Comment: This sequence change replaces serine, which is neutral and polar, with cysteine, which is neutral and slightly polar, at codon 59 of the ATP6AP2 protein (p.Ser59Cys). This variant is not present in population databases (gnomAD no frequency). This variant has not been reported in the literature in individuals affected with ATP6AP2-related conditions. ClinVar contains an entry for this variant (Variation ID: 2417448). Invitae Evidence Modeling of protein sequence and biophysical properties (such as structural, functional, and spatial information, amino acid conservation, physicochemical variation, residue mobility, and thermodynamic stability) indicates that this missense variant is expected to disrupt ATP6AP2 protein function with a positive predictive value of 80%. In summary, the available evidence is currently insufficient to determine the role of this variant in disease. Therefore, it has been classified as a Variant of Uncertain Significance.